The following is an entry in ClinVar:

NM_000553.6(WRN):c.281T>C (p.Leu94Pro)

Gene: WRN (WRN RecQ like helicase; plus strand). Cytogenetic location: 8p12.
Variant type: single nucleotide variant.
Coding change: c.281T>C on transcript NM_000553.6 (MANE Select); coding-DNA position 281, T replaced by C.
Protein change: p.Leu94Pro; replaces leucine 94 with proline.
Molecular consequence: missense variant.
Genome position (GRCh38, 1-based): chr8:31,064,360, T>C. VCF-style: chr8-31064360-T-C. GRCh37 (hg19) VCF-style: chr8-30921876-T-C.
Other names: short protein forms L94P.
Identifiers: ClinVar variation 2814777 (VCV002814777.3), dbSNP rs2535880947, ClinGen allele CA370914203.

ClinVar aggregate classification (germline): Uncertain significance (1 of 4 stars; one submission).

Conditions:
Werner syndrome (WRN). Identifiers: Orphanet 902, MedGen C0043119, MONDO:0010196, OMIM 277700.

Submission:

Labcorp Genetics (formerly Invitae), Labcorp
Classification: Uncertain significance for Werner syndrome. Last evaluated: 2022-11-16. Review status: criteria provided, single submitter. Criteria: Invitae Variant Classification Sherloc (09022015). Collection method: clinical testing. Allele origin: germline.
Comment: In summary, the available evidence is currently insufficient to determine the role of this variant in disease. Therefore, it has been classified as a Variant of Uncertain Significance. Algorithms developed to predict the effect of missense changes on protein structure and function output the following: SIFT: "Not Available"; PolyPhen-2: "Benign"; Align-GVGD: "Not Available". The proline amino acid residue is found in multiple mammalian species, which suggests that this missense change does not adversely affect protein function. This variant has not been reported in the literature in individuals affected with WRN-related conditions. This variant is not present in population databases (gnomAD no frequency). This sequence change replaces leucine, which is neutral and non-polar, with proline, which is neutral and non-polar, at codon 94 of the WRN protein (p.Leu94Pro).